The following continues an entry in ClinVar:

NM_004360.5(CDH1):c.1018A>G (p.Thr340Ala)

Gene: CDH1. ClinVar aggregate classification (germline): Benign. Benign (1).

Submission 18 of 18:

Department of Pathology and Laboratory Medicine, Sinai Health System
Classification: Uncertain significance. Review status: no assertion criteria provided. Collection method: clinical testing. Allele origin: unknown. Affected: yes. Study: The Canadian Open Genetics Repository (COGR). Not counted in ClinVar's aggregate classification.
Comment: The CDH1 p.Thr340Ala variant was identified in 8 of 642 proband chromosomes (frequency: 0.01) from individuals or families with gastric and colorectal cancer and was not identified in 686 control chromosomes from healthy individuals (Kim 2000, Oliveira 2002, Zhang 2006, Chang 2016). The variant was also identified in dbSNP (ID: rs116093741) with "uncertain significance, other allele," ClinVar with conflicting interpretations (1x pathogenic: OMIM, literature only; 2x likely benign: Invitae, Illumina; 2x uncertain significance: GeneDx, Ambry Genetics), COSMIC (3x somatic status unknown: 1x alveolar soft part sarcoma, 2x carcinoma, described as a "likely passenger" mutation in a thyroid carcinoma, Sohn 2016), MutDB (MutPred very confident that the variant is disease associated), Zhejiang University Database (3x "probably pathogenic" in hereditary gastric cancer, Wang 2004, Mateus 2009, Suriano 2006). The variant was not identified in the Insight Colon Cancer Gene Variant Database. The variant was identified in control databases in 68 of 277198 chromosomes at a frequency of 0.0002; or in 68 of 18866 (freq:0.0036) East Asian individuals, increasing the likelihood that this may be a low frequency variant in certain populations of origin (Genome Aggregation Consortium Feb 27, 2017). The p.Thr340Ala missense variant was shown by computer modelling to be located in a newly characterized E-cadherin sequence motif, likely to be involved in the stabilization of the active protein conformation (Suriano 2003). In various function studies the variant was concluded to be pathogenic conferring enhanced cell motility, disrupted cell adhesion, and loss of epithelial structure (Suriano 2003, Mateus 2009). The p.Thr340Ala residue is not conserved in mammals and computational analyses (PolyPhen-2, SIFT, AlignGVGD, BLOSUM, MutationTaster) do not suggest a high likelihood of impact to the protein; however, this information is not predictive enough to rule out pathogenicity. The variant occurs outside of the splicing consensus sequence and in silico or computational prediction software programs (SpliceSiteFinder, MaxEntScan, NNSPLICE, GeneSplicer, HumanSpliceFinder) do not predict a difference in splicing. In summary, based on the above information, the clinical significance of this variant cannot be determined with certainty at this time. This variant is classified as a variant of uncertain significance.

Literature cited by the submitters: PubMed 36436516 (cited by European Reference Network on Genetic Tumour Risk Syndromes (ERN-GENTURIS), i3s - Instituto de Investigação e Inovação em Saúde, University of Porto); PubMed 26072394 (cited by 4 submitters); PubMed 11968083 (cited by 6 submitters); PubMed 10896919 (cited by 4 submitters); PubMed 12944922 (cited by Ambry Genetics and Quest Diagnostics Nichols Institute San Juan Capistrano); PubMed 14500541 (cited by Ambry Genetics and Quest Diagnostics Nichols Institute San Juan Capistrano); PubMed 14562278 (cited by Ambry Genetics); PubMed 16112667 (cited by Ambry Genetics and Women's Health and Genetics/Laboratory Corporation of America, LabCorp); PubMed 16929514 (cited by Ambry Genetics and Women's Health and Genetics/Laboratory Corporation of America, LabCorp); PubMed 17510211 (cited by Ambry Genetics and Women's Health and Genetics/Laboratory Corporation of America, LabCorp); PubMed 19247957 (cited by Ambry Genetics); PubMed 19268661 (cited by 4 submitters); PubMed 19269290 (cited by Ambry Genetics); PubMed 22850631 (cited by 4 submitters); PubMed 24690483 (cited by Ambry Genetics and Women's Health and Genetics/Laboratory Corporation of America, LabCorp); PubMed 24784840 (cited by Ambry Genetics and Quest Diagnostics Nichols Institute San Juan Capistrano); PubMed 25180051 (cited by Ambry Genetics and Women's Health and Genetics/Laboratory Corporation of America, LabCorp); PubMed 25187893 (cited by 4 submitters); PubMed 25388006 (cited by 3 submitters); PubMed 26822949 (cited by 3 submitters); PubMed 27121310 (cited by 3 submitters); PubMed 28503720 (cited by 3 submitters); PubMed 27582386 (cited by Quest Diagnostics Nichols Institute San Juan Capistrano and Women's Health and Genetics/Laboratory Corporation of America, LabCorp); PubMed 29752822 (cited by Quest Diagnostics Nichols Institute San Juan Capistrano); PubMed 28580595 (cited by Quest Diagnostics Nichols Institute San Juan Capistrano); PubMed 30287823 (cited by Quest Diagnostics Nichols Institute San Juan Capistrano); PubMed 25856671 (cited by Quest Diagnostics Nichols Institute San Juan Capistrano); PubMed 12588804 (cited by 3 submitters); PubMed 16527687 (cited by Women's Health and Genetics/Laboratory Corporation of America, LabCorp); PubMed 21989054 (cited by Women's Health and Genetics/Laboratory Corporation of America, LabCorp).